The following is an entry in ClinVar:

ClinVar aggregate classification (germline): Benign. Review status: reviewed by expert panel (3 of 4 stars). 4 submissions from 4 submitters: Benign (1). 3 of the submissions do not count toward it. Last evaluated 2026-10-26.

Conditions:
Maturity-onset diabetes of the young (MODY). Also called: Maturity onset diabetes mellitus in young. Identifiers: Orphanet 552, MedGen C0342276, MONDO:0018911, HP:0004904.
Monogenic diabetes. Identifiers: Orphanet 183625, MedGen C3888631, MONDO:0015967.

Allele frequency attached by ClinVar (database versions not stated): TOPMed below 0.00001; gnomAD 0.00001; ExAC 0.00002; gnomAD exomes 0.00002; 1000 Genomes Project 30x 0.00016; 1000 Genomes Project 0.00020.

Submissions (4):

ClinGen Monogenic Diabetes Variant Curation Expert Panel
Classification: Benign for Monogenic diabetes. Last evaluated: 2026-10-26. Review status: reviewed by expert panel. Criteria: ClinGen Diabetes ACMG Specifications HNF4A V4.0.0. Collection method: curation. Allele origin: germline. Inheritance: Autosomal dominant inheritance.
Comment: The c.131G>A variant in the hepatocyte nuclear factor 4 alpha gene, HNF4A, causes an amino acid change of arginine to glutamine at codon 44 (p.(Arg44Gln)) of NM_175914.5. This variant has a Grpmax Filtering allele frequency in gnomAD v4.1.2 of 0.0002085, which is greater than the MDEP threshold for BA1 (0.0001) (BA1). This variant is predicted to be deleterious by computational evidence, with a REVEL score of 0.879, which is greater than the MDEP VCEP threshold of 0.70 (PP3). This variant is located within the DNA binding (codons 37-113) of HNF4A, which is defined as critical for the protein’s function by the ClinGen MDEP (PM1_Supporting). In summary, c.131G>A meets the criteria to be classified as benign for monogenic diabetes. ACMG/AMP criteria applied, as specified by the ClinGen MDEP (specification version 4.0, approved 10/10/2025): BA1, PM1_supporting, PP3.

Labcorp Genetics (formerly Invitae), Labcorp
Classification: Uncertain significance. Last evaluated: 2022-09-01. Review status: criteria provided, single submitter. Criteria: Invitae Variant Classification Sherloc (09022015). Collection method: clinical testing. Allele origin: germline. Not counted in ClinVar's aggregate classification.
Comment: This sequence change replaces arginine, which is basic and polar, with glutamine, which is neutral and polar, at codon 44 of the HNF4A protein (p.Arg44Gln). This variant is present in population databases (rs561302824, gnomAD 0.02%). This variant has not been reported in the literature in individuals affected with HNF4A-related conditions. ClinVar contains an entry for this variant (Variation ID: 917408). Algorithms developed to predict the effect of missense changes on protein structure and function are either unavailable or do not agree on the potential impact of this missense change (SIFT: "Deleterious"; PolyPhen-2: "Probably Damaging"; Align-GVGD: "Class C0"). In summary, the available evidence is currently insufficient to determine the role of this variant in disease. Therefore, it has been classified as a Variant of Uncertain Significance.

Personalized Diabetes Medicine Program, University of Maryland School of Medicine
Classification: Uncertain significance for Monogenic diabetes. Last evaluated: 2018-10-05. Review status: criteria provided, single submitter. Criteria: ACMG Guidelines, 2015. Collection method: research. Allele origin: unknown. Observed: 1 variant allele, 1 heterozygote. Not counted in ClinVar's aggregate classification.
Comment: ACMG criteria: PP3 (REVEL 0.879 + 10 predictors), BS1 (MAF 0.02% in SA gnomAD)= VUS

Clinical Genomics, Uppaluri K&H Personalized Medicine Clinic
Classification: Likely risk allele for Maturity-onset diabetes of the young. Review status: criteria provided, single submitter. Criteria: K & H Uppaluri Personalized Medicine Clinic Variant Classification & Assertion Criteria_Updated V.1. Collection method: research. Allele origin: unknown. Inheritance: Autosomal dominant inheritance. Not counted in ClinVar's aggregate classification.
Comment: Potent mutations in HNF4A are associated with poor insulin secretion in response to hyperglycemia. Associated with MODY1. Patients initially respond well to sulfonylureas but eventually become insulin dependent. However, more evidence is required to ascertain the role of this particular variant rs561302824 in MODY, yet.

Literature cited by the submitters: DOI 10.1159/000334532 (cited by Clinical Genomics, Uppaluri K&H Personalized Medicine Clinic); PubMed 18268044 (cited by Clinical Genomics, Uppaluri K&H Personalized Medicine Clinic); PubMed 17563455 (cited by Clinical Genomics, Uppaluri K&H Personalized Medicine Clinic); PubMed 32583173 (cited by Clinical Genomics, Uppaluri K&H Personalized Medicine Clinic); PubMed 35052457 (cited by Clinical Genomics, Uppaluri K&H Personalized Medicine Clinic); PubMed 35118593 (cited by Clinical Genomics, Uppaluri K&H Personalized Medicine Clinic).

NM_175914.5(HNF4A):c.131G>A (p.Arg44Gln)

Gene: HNF4A (hepatocyte nuclear factor 4 alpha; plus strand). Cytogenetic location: 20q13.12.
Variant type: single nucleotide variant.
Coding change: c.131G>A on transcript NM_175914.5 (MANE Select); coding-DNA position 131, G replaced by A.
Protein change: p.Arg44Gln; replaces arginine 44 with glutamine.
Molecular consequence: missense variant.
Genome position (GRCh38, 1-based): chr20:44,406,139, G>A. VCF-style: chr20-44406139-G-A. GRCh37 (hg19) VCF-style: chr20-43034779-G-A.
Other names: NM_175914.5(HNF4A):c.131G>A; p.Arg44Gln; c.197G>A, p.Arg66Gln (NM_000457.6, NM_178849.3, NM_178850.3); c.131G>A, p.Arg44Gln (NM_001030003.3, NM_001030004.3); c.176G>A, p.Arg59Gln (NM_001258355.2); c.122G>A, p.Arg41Gln (NM_001287182.2, NM_001287183.2, NM_001287184.2); short protein forms R41Q, R44Q, R59Q, R66Q.
Identifiers: ClinVar variation 917408 (VCV000917408.8), dbSNP rs561302824, ClinGen allele CA9870173.
Genomic context (GRCh38, chr20:44,406,139, plus strand): 5'-CCAACCTCAACGCGCCCAACAGCCTGGGTGTCAGCGCCCTGTGTGCCATCTGCGGGGACC[G>A]GGCCACGGGCAAACACTACGGTGCCTCGAGCTGTGACGGCTGCAAGGGCTTCTTCCGGAG-3'
Protein context (NP_787110.2, residues 34-54): VSALCAICGD[Arg44Gln]ATGKHYGASS